The following is an entry in ClinVar:

ClinVar aggregate classification (germline): Uncertain significance (1 of 4 stars; one submission).

gnomAD v4.1: 3 of 1,606,444 alleles (0.00019%); highest among the groups gnomAD compares: Non-Finnish European, 0.00017%; no homozygotes.

Submission:

Labcorp Genetics (formerly Invitae), Labcorp
Classification: Uncertain significance. Last evaluated: 2025-08-06. Review status: criteria provided, single submitter. Criteria: Invitae Variant Classification Sherloc (09022015). Collection method: clinical testing. Allele origin: germline.
Comment: This sequence change replaces arginine, which is basic and polar, with histidine, which is basic and polar, at codon 1568 of the LTBP4 protein (p.Arg1568His). The frequency data for this variant in the population databases is considered unreliable, as metrics indicate poor data quality at this position in the gnomAD database. This variant has not been reported in the literature in individuals affected with LTBP4-related conditions. Experimental studies and prediction algorithms are not available or were not evaluated, and the functional significance of this variant is currently unknown. In summary, the available evidence is currently insufficient to determine the role of this variant in disease. Therefore, it has been classified as a Variant of Uncertain Significance.

NM_001042545.2(LTBP4):c.4613G>A (p.Arg1538His)

Gene: LTBP4 (latent transforming growth factor beta binding protein 4; plus strand). Cytogenetic location: 19q13.2.
Variant type: single nucleotide variant.
Coding change: c.4613G>A on transcript NM_001042545.2 (MANE Select); coding-DNA position 4613, G replaced by A.
Protein change: p.Arg1538His; replaces arginine 1538 with histidine.
Molecular consequence: missense variant.
Genome position (GRCh38, 1-based): chr19:40,629,489, G>A. VCF-style: chr19-40629489-G-A. GRCh37 (hg19) VCF-style: chr19-41135394-G-A.
Other names: c.4814G>A, p.Arg1605His (NM_001042544.1); c.4703G>A, p.Arg1568His (NM_003573.2); short protein forms R1538H, R1568H, R1605H.
Identifiers: ClinVar variation 4766504 (VCV004766504.1).